The following is an entry in ClinVar:

NM_015057.5(MYCBP2):c.3983_3984del (p.Gly1328fs)

Gene: MYCBP2 (MYC binding protein 2; minus strand). Cytogenetic location: 13q22.3.
Variant type: Deletion.
Coding change: c.3983_3984del on transcript NM_015057.5 (MANE Select); coding-DNA positions 3983 to 3984, 2 bases deleted (GG; older notation c.3983_3984delGG).
Protein change: p.Gly1328fs; shifts the reading frame from glycine 1328.
Molecular consequence: frameshift variant.
Genome position (GRCh38, 1-based): chr13:77,191,765-77,191,766, CC deleted on the plus strand (GG on the coding strand, the reverse complement: MYCBP2 is on the minus strand); deleting any 2 consecutive bases within chr13:77,191,765-77,191,767 gives the same sequence; the c. name uses the placement nearest the transcript's 3' end. VCF-style (leftmost placement, unchanged base first): chr13-77191764-ACC-A. GRCh37 (hg19) VCF-style: chr13-77765899-ACC-A.
Other names: short protein forms G1328fs.
Identifiers: ClinVar variation 3773644 (VCV003773644.2).

ClinVar aggregate classification (germline): Pathogenic (1 of 4 stars; one submission).

Conditions:
MYCBP2-associated neurodevelopmental disorder.

Submission:

Institute of Human Genetics, University of Leipzig Medical Center
Classification: Pathogenic for MYCBP2-associated neurodevelopmental disorder. Last evaluated: 2025-03-04. Review status: criteria provided, single submitter. Criteria: ACMG Guidelines, 2015. Collection method: clinical testing. Allele origin: unknown. Inheritance: Autosomal dominant inheritance. Affected: yes.
Comment: Criteria applied: PVS1,PM2

Literature cited by the submitters: PubMed 36200388.